The following is an entry in ClinVar:

ClinVar aggregate classification (germline): Uncertain significance (1 of 4 stars; one submission).

gnomAD v4.1: 1 of 1,611,792 alleles (0.000062%); highest among the groups gnomAD compares: Non-Finnish European, 0.000085%; no homozygotes.

Submission:

Labcorp Genetics (formerly Invitae), Labcorp
Classification: Uncertain significance. Last evaluated: 2025-09-16. Review status: criteria provided, single submitter. Criteria: Invitae Variant Classification Sherloc (09022015). Collection method: clinical testing. Allele origin: germline.
Comment: This sequence change replaces alanine, which is neutral and non-polar, with valine, which is neutral and non-polar, at codon 209 of the CD81 protein (p.Ala209Val). This variant is not present in population databases (gnomAD no frequency). This variant has not been reported in the literature in individuals affected with CD81-related conditions. An algorithm developed to predict the effect of missense changes on protein structure and function (PolyPhen-2) suggests that this variant is likely to be disruptive. In summary, the available evidence is currently insufficient to determine the role of this variant in disease. Therefore, it has been classified as a Variant of Uncertain Significance.

NM_004356.4(CD81):c.626C>T (p.Ala209Val)

Gene: CD81 (CD81 molecule; plus strand). Cytogenetic location: 11p15.5.
Variant type: single nucleotide variant.
Coding change: c.626C>T on transcript NM_004356.4 (MANE Select); coding-DNA position 626, C replaced by T.
Protein change: p.Ala209Val; replaces alanine 209 with valine.
Molecular consequence: missense variant.
Genome position (GRCh38, 1-based): chr11:2,396,692, C>T. VCF-style: chr11-2396692-C-T. GRCh37 (hg19) VCF-style: chr11-2417922-C-T.
Other names: c.413C>T, p.Ala138Val (NM_001297649.2, NM_001425129.1, NM_001425130.1 and 3 more transcripts); c.749C>T, p.Ala250Val (NM_001425135.1); c.623C>T, p.Ala208Val (NM_001425137.1); c.410C>T, p.Ala137Val (NM_001425138.1); short protein forms A137V, A208V, A250V, A209V, A138V.
Identifiers: ClinVar variation 4726620 (VCV004726620.1).